The following is an entry in ClinVar:

ClinVar aggregate classification (germline): Uncertain significance. Review status: criteria provided, multiple submitters, no conflicts (2 of 4 stars). 2 submissions from 2 submitters: Uncertain significance (2). Last evaluated 2025-06-22.

Conditions:
Cardiovascular phenotype. Identifiers: MedGen CN230736.

Allele frequency attached by ClinVar (database versions not stated): gnomAD 0.00001; TOPMed 0.00001.
gnomAD v4.1: 3 of 1,549,424 alleles (0.00019%); highest among the groups gnomAD compares: East Asian, 0.0024%; no homozygotes.

Submissions (2):

Labcorp Genetics (formerly Invitae), Labcorp
Classification: Uncertain significance. Last evaluated: 2025-06-22. Review status: criteria provided, single submitter. Criteria: Invitae Variant Classification Sherloc (09022015). Collection method: clinical testing. Allele origin: germline.
Comment: This sequence change replaces aspartic acid, which is acidic and polar, with histidine, which is basic and polar, at codon 3406 of the ZNF469 protein (p.Asp3406His). This variant is present in population databases (no rsID available, gnomAD 0.004%). This variant has not been reported in the literature in individuals affected with ZNF469-related conditions. ClinVar contains an entry for this variant (Variation ID: 3232722). An algorithm developed to predict the effect of missense changes on protein structure and function (PolyPhen-2) suggests that this variant is likely to be disruptive. In summary, the available evidence is currently insufficient to determine the role of this variant in disease. Therefore, it has been classified as a Variant of Uncertain Significance.

Ambry Genetics
Classification: Uncertain significance for Cardiovascular phenotype. Last evaluated: 2024-01-27. Review status: criteria provided, single submitter. Criteria: Ambry Variant Classification Scheme 2023. Collection method: clinical testing. Allele origin: germline.
Comment: The p.D3406H variant (also known as c.10216G>C), located in coding exon 2 of the ZNF469 gene, results from a G to C substitution at nucleotide position 10216. The aspartic acid at codon 3406 is replaced by histidine, an amino acid with similar properties. This amino acid position is conserved. In addition, this alteration is predicted to be tolerated by in silico analysis. Based on the available evidence, the clinical significance of this alteration remains unclear.

NM_001367624.2(ZNF469):c.10300G>C (p.Asp3434His)

Gene: ZNF469 (zinc finger protein 469; plus strand). Cytogenetic location: 16q24.2.
Variant type: single nucleotide variant.
Coding change: c.10300G>C on transcript NM_001367624.2 (MANE Select); coding-DNA position 10300, G replaced by C.
Protein change: p.Asp3434His; replaces aspartic acid 3434 with histidine.
Molecular consequence: missense variant.
Genome position (GRCh38, 1-based): chr16:88,437,770, G>C. VCF-style: chr16-88437770-G-C. GRCh37 (hg19) VCF-style: chr16-88504178-G-C.
Other names: NM_001127464.1:c.10216G>C; short protein forms D3434H.
Identifiers: ClinVar variation 3232722 (VCV003232722.2), dbSNP rs1331820240, ClinGen allele CA397126482.